The following is an entry in ClinVar:

ClinVar aggregate classification (germline): Likely benign. Review status: criteria provided, multiple submitters, no conflicts (2 of 4 stars). 4 submissions from 4 submitters: Likely benign (3). 1 of the submissions does not count toward it. Last evaluated 2026-09-01.

Conditions:
AGO1-related disorder. Also called: AGO1-related condition.

Allele frequency attached by ClinVar (database versions not stated): 1000 Genomes Project 0.00080; 1000 Genomes Project 30x 0.00125; gnomAD 0.00137 and 0.00143; gnomAD exomes 0.00145 and 0.00221; ExAC 0.00150; TOPMed 0.00154; ESP Exome Variant Server 0.00254.
gnomAD v4.1: 3,396 of 1,608,620 alleles (0.21%); highest among the groups gnomAD compares: Non-Finnish European, 0.27%; 9 homozygotes.

Submissions (4):

CeGaT Center for Human Genetics Tuebingen
Classification: Likely benign. Last evaluated: 2026-09-01. Review status: criteria provided, single submitter. Criteria: CeGaT Center For Human Genetics Tuebingen Variant Classification Criteria Version 2. Collection method: clinical testing. Allele origin: germline. Affected: yes. Observed: 5 variant alleles.
Comment: AGO1: BP4, BP7, BS1

Labcorp Genetics (formerly Invitae), Labcorp
Classification: Likely benign. Last evaluated: 2019-12-31. Review status: criteria provided, single submitter. Criteria: Invitae Variant Classification Sherloc (09022015). Collection method: clinical testing. Allele origin: germline.

Breakthrough Genomics
Classification: Likely benign. Review status: criteria provided, single submitter. Criteria: ACMG Guidelines, 2015. Collection method: not provided. Allele origin: germline. Inheritance: Unknown mechanism. Affected: yes.

PreventionGenetics, part of Exact Sciences
Classification: Likely benign for AGO1-related condition. Last evaluated: 2024-06-12. Review status: no assertion criteria provided. Collection method: clinical testing. Allele origin: germline. Not counted in ClinVar's aggregate classification.
Comment: This variant is classified as likely benign based on ACMG/AMP sequence variant interpretation guidelines (Richards et al. 2015 PMID: 25741868, with internal and published modifications).

NM_012199.5(AGO1):c.1173C>T (p.Tyr391=)

Gene: AGO1 (argonaute RISC component 1; plus strand). Cytogenetic location: 1p34.3.
Variant type: single nucleotide variant.
Coding change: c.1173C>T on transcript NM_012199.5 (MANE Select); coding-DNA position 1173, C replaced by T.
Protein change: p.Tyr391=; no amino-acid change (tyrosine 391 retained).
Molecular consequence: synonymous variant.
Genome position (GRCh38, 1-based): chr1:35,901,980, C>T. VCF-style: chr1-35901980-C-T. GRCh37 (hg19) VCF-style: chr1-36367581-C-T.
Other names: c.1173C>T, p.Tyr391= (NM_001317122.2); c.948C>T, p.Tyr316= (NM_001317123.2).
Identifiers: ClinVar variation 708164 (VCV000708164.13), dbSNP rs72661614, ClinGen allele CA763156.